The following is an entry in ClinVar:

NM_016653.3(MAP3K20):c.1600T>C (p.Trp534Arg)

Genes: MAP3K20 (mitogen-activated protein kinase kinase kinase 20; plus strand), MAP3K20-AS1 (MAP3K20 antisense RNA 1; minus strand). Cytogenetic location: 2q31.1.
Variant type: single nucleotide variant.
Coding change: c.1600T>C on transcript NM_016653.3 (MANE Select); coding-DNA position 1600, T replaced by C.
Protein change: p.Trp534Arg; replaces tryptophan 534 with arginine.
Molecular consequence: missense variant.
Genome position (GRCh38, 1-based): chr2:173,263,793, T>C. VCF-style: chr2-173263793-T-C. GRCh37 (hg19) VCF-style: chr2-174128521-T-C.
Other names: short protein forms W534R.
Identifiers: ClinVar variation 1469443 (VCV001469443.3), dbSNP rs760788181, ClinGen allele CA1970913.
Genomic context (GRCh38, chr2:173,263,793, plus strand): 5'-TTGTTTTACCAGAGTGATGTTAGAACTCCAAAAAGCACTAAACATGTCCATTCGATTCAG[T>C]GGAGTAGAACAAAACCTCAGGATGAAGTGAAAGCAGTCCAACTTGCCATTCAGACATTAT-3'
Protein context (NP_057737.2, residues 524-544): KSTKHVHSIQ[Trp534Arg]SRTKPQDEVK

ClinVar aggregate classification (germline): Uncertain significance (1 of 4 stars; one submission).

Allele frequency attached by ClinVar (database versions not stated): gnomAD 0.00001; gnomAD exomes 0.00001 and 0.00002; TOPMed 0.00001; ExAC 0.00002.
gnomAD v4.1: 21 of 1,613,414 alleles (0.0013%); highest among the groups gnomAD compares: Middle Eastern, 0.033%; no homozygotes.

Submission:

Labcorp Genetics (formerly Invitae), Labcorp
Classification: Uncertain significance. Last evaluated: 2021-12-14. Review status: criteria provided, single submitter. Criteria: Invitae Variant Classification Sherloc (09022015). Collection method: clinical testing. Allele origin: germline.
Comment: This sequence change replaces tryptophan, which is neutral and slightly polar, with arginine, which is basic and polar, at codon 534 of the MAP3K20 protein (p.Trp534Arg). This variant is present in population databases (rs760788181, gnomAD 0.007%). This variant has not been reported in the literature in individuals affected with MAP3K20-related conditions. Experimental studies and prediction algorithms are not available or were not evaluated, and the functional significance of this variant is currently unknown. In summary, the available evidence is currently insufficient to determine the role of this variant in disease. Therefore, it has been classified as a Variant of Uncertain Significance.